The following is an entry in ClinVar:

ClinVar aggregate classification (germline): Uncertain significance (1 of 4 stars; one submission).

Conditions:
Hereditary pancreatitis (PCTT). Also called: Hereditary chronic pancreatitis; PRSS1-Related Hereditary Pancreatitis. Identifiers: Orphanet 676, MedGen C0238339, MONDO:0008185, OMIM 167800.

Allele frequency attached by ClinVar (database versions not stated): gnomAD exomes below 0.00001; TOPMed below 0.00001; gnomAD 0.00001.
gnomAD v4.1: 2 of 1,614,064 alleles (0.00012%); highest among the groups gnomAD compares: Non-Finnish European, 0.00017%; no homozygotes.

Submission:

Ambry Genetics
Classification: Uncertain significance for Hereditary pancreatitis. Last evaluated: 2024-06-21. Review status: criteria provided, single submitter. Criteria: Ambry Variant Classification Scheme 2023. Collection method: clinical testing. Allele origin: germline.
Comment: The p.D252E variant (also known as c.756C>A), located in coding exon 7 of the CPA1 gene, results from a C to A substitution at nucleotide position 756. The aspartic acid at codon 252 is replaced by glutamic acid, an amino acid with highly similar properties. This amino acid position is conserved. In addition, the in silico prediction for this alteration is inconclusive. Since supporting evidence is limited at this time, the clinical significance of this alteration remains unclear.

NM_001868.4(CPA1):c.756C>A (p.Asp252Glu)

Gene: CPA1 (carboxypeptidase A1; plus strand). Cytogenetic location: 7q32.2.
Variant type: single nucleotide variant.
Coding change: c.756C>A on transcript NM_001868.4 (MANE Select); coding-DNA position 756, C replaced by A.
Protein change: p.Asp252Glu; replaces aspartic acid 252 with glutamic acid.
Molecular consequence: missense variant.
Genome position (GRCh38, 1-based): chr7:130,384,595, C>A. VCF-style: chr7-130384595-C-A. GRCh37 (hg19) VCF-style: chr7-130024436-C-A.
Other names: short protein forms D252E.
Identifiers: ClinVar variation 1759556 (VCV001759556.3), dbSNP rs1249959349, ClinGen allele CA369283002.